The following is an entry in ClinVar:

ClinVar aggregate classification (germline): Pathogenic (1 of 4 stars; one submission).

Conditions:
Long QT syndrome (LQTS). Identifiers: MedGen C0023976, MeSH D008133, MONDO:0002442. Disease mechanism: loss of function. Inheritance: Various modes of inheritance.

Submission:

Labcorp Genetics (formerly Invitae), Labcorp
Classification: Pathogenic for Long QT syndrome. Last evaluated: 2021-11-08. Review status: criteria provided, single submitter. Criteria: Invitae Variant Classification Sherloc (09022015). Collection method: clinical testing. Allele origin: germline.
Comment: This sequence change creates a premature translational stop signal (p.Thr270Lysfs*86) in the KCNH2 gene. It is expected to result in an absent or disrupted protein product. Loss-of-function variants in KCNH2 are known to be pathogenic (PMID: 10973849, 19862833). This variant is not present in population databases (gnomAD no frequency). This variant has not been reported in the literature in individuals affected with KCNH2-related conditions. For these reasons, this variant has been classified as Pathogenic.

Literature cited by the submitters: PubMed 10973849; PubMed 19862833.

NM_000238.4(KCNH2):c.809_821del (p.Thr270fs)

Gene: KCNH2 (potassium voltage-gated channel subfamily H member 2; minus strand). Cytogenetic location: 7q36.1.
Variant type: Deletion.
Coding change: c.809_821del on transcript NM_000238.4 (MANE Select); coding-DNA positions 809 to 821, 13 bases deleted (CGCGCTCCCGAGA).
Protein change: p.Thr270fs; shifts the reading frame from threonine 270.
Molecular consequence: frameshift variant.
Genome position (GRCh38, 1-based): chr7:150,958,154-150,958,166, TCTCGGGAGCGCG deleted on the plus strand (CGCGCTCCCGAGA on the coding strand, the reverse complement: KCNH2 is on the minus strand); deleting any 13 consecutive bases within chr7:150,958,154-150,958,168 gives the same sequence; the c. name uses the placement nearest the transcript's 3' end. VCF-style (leftmost placement, unchanged base first): chr7-150958153-TTCTCGGGAGCGCG-T. GRCh37 (hg19) VCF-style: chr7-150655241-TTCTCGGGAGCGCG-T.
Other names: c.519_531delGACGCGCTCCCGA, p.Thr174Lysfs (NM_001406753.1, NM_001406756.1); c.630_642delGACGCGCTCCCGA, p.Thr211Lysfs (NM_001406755.1); c.507_519delGACGCGCTCCCGA, p.Thr170Lysfs (NM_001406757.1); c.807_819delGACGCGCTCCCGA, p.Thr270Lysfs (NM_172056.3); short protein forms T270fs.
Identifiers: ClinVar variation 1452777 (VCV001452777.8), dbSNP rs2117003430, ClinGen allele CA2573141814.